The following is an entry in ClinVar:

NM_001184880.2(PCDH19):c.2518A>G (p.Thr840Ala)

Genes: PCDH19 (protocadherin 19; minus strand), LOC125467768 (CDK7 strongly-dependent group 2 enhancer GRCh37_chrX:99657381-99658580; plus strand). Cytogenetic location: Xq22.1.
Variant type: single nucleotide variant.
Coding change: c.2518A>G on transcript NM_001184880.2 (MANE Select); coding-DNA position 2518, A replaced by G.
Protein change: p.Thr840Ala; replaces threonine 840 with alanine.
Molecular consequence: missense variant.
Genome position (GRCh38, 1-based): chrX:100,402,622, T>C on the plus strand (A>G on the coding strand, the complement: PCDH19 is on the minus strand). VCF-style: chrX-100402622-T-C. GRCh37 (hg19) VCF-style: chrX-99657620-T-C.
Other names: c.2377A>G, p.Thr793Ala (NM_001105243.2, NM_020766.3); short protein forms T793A, T840A.
Identifiers: ClinVar variation 5017000 (VCV005017000.1).
Genomic context (GRCh38, chrX:100,402,622, plus strand): 5'-GCTGGGGCCCCTGGCTGTTGAAAGAGTGATGGTAGATGTGGTTAGCACTGGTGTTGCGGG[T>C]ATTCTGGTTCTCCACATTCAGGAAAGTGCTCTCAGAGCGGCGGCAGCCCAGGGGCAGCGT-3'
Protein context (NP_001171809.1, residues 830-850): STFLNVENQN[Thr840Ala]RNTSANHIYH

ClinVar aggregate classification (germline): Uncertain significance (1 of 4 stars; one submission).

Submission:

GeneDx
Classification: Uncertain significance. Last evaluated: 2026-04-07. Review status: criteria provided, single submitter. Criteria: GeneDx Variant Classification Process June 2021. Collection method: clinical testing. Allele origin: germline.
Comment: Not observed at significant frequency in large population cohorts (gnomAD); In silico analysis suggests that this missense variant does not alter protein structure/function; Has not been previously published as pathogenic or benign to our knowledge